The following is an entry in ClinVar:

NM_001375834.1(WIPF1):c.184C>T (p.Pro62Ser)

Genes: WIPF1 (WAS/WASL interacting protein family member 1; minus strand), WIPF1-AS1 (WIPF1 and CHRNA1 antisense RNA 1; plus strand). Cytogenetic location: 2q31.1.
Variant type: single nucleotide variant.
Coding change: c.184C>T on transcript NM_001375834.1 (MANE Select); coding-DNA position 184, C replaced by T.
Protein change: p.Pro62Ser; replaces proline 62 with serine.
Molecular consequence: missense variant. On other transcripts: non-coding transcript variant (1), intron variant (1).
Genome position (GRCh38, 1-based): chr2:174,575,378, G>A on the plus strand (C>T on the coding strand, the complement: WIPF1 is on the minus strand). VCF-style: chr2-174575378-G-A. GRCh37 (hg19) VCF-style: chr2-175440106-G-A.
Other names: c.184C>T, p.Pro62Ser (NM_001077269.1, NM_001375832.1, NM_001375833.1 and 5 more transcripts); c.182-3133C>T (NM_001375839.1); short protein forms P62S.
Identifiers: ClinVar variation 4755031 (VCV004755031.1).

ClinVar aggregate classification (germline): Uncertain significance (1 of 4 stars; one submission).

Conditions:
Wiskott-Aldrich syndrome 2 (WAS2). Also called: WIPF1 DEFICIENCY. Identifiers: Orphanet 906, MedGen C3281001, MONDO:0013779, OMIM 614493.

gnomAD v4.1: 5 of 1,607,096 alleles (0.00031%); highest among the groups gnomAD compares: Non-Finnish European, 0.00043%; no homozygotes.

Submission:

Labcorp Genetics (formerly Invitae), Labcorp
Classification: Uncertain significance for Wiskott-Aldrich syndrome 2. Last evaluated: 2025-10-27. Review status: criteria provided, single submitter. Criteria: Invitae Variant Classification Sherloc (09022015). Collection method: clinical testing. Allele origin: germline.
Comment: This sequence change replaces proline, which is neutral and non-polar, with serine, which is neutral and polar, at codon 62 of the WIPF1 protein (p.Pro62Ser). This variant is present in population databases (rs758303066, gnomAD 0.0009%). This variant has not been reported in the literature in individuals affected with WIPF1-related conditions. An algorithm developed to predict the effect of missense changes on protein structure and function (PolyPhen-2) suggests that this variant is likely to be disruptive. In summary, the available evidence is currently insufficient to determine the role of this variant in disease. Therefore, it has been classified as a Variant of Uncertain Significance.